The following is an entry in ClinVar:

NM_015512.5(DNAH1):c.4472C>T (p.Ala1491Val)

Gene: DNAH1 (dynein axonemal heavy chain 1; plus strand). Cytogenetic location: 3p21.1.
Variant type: single nucleotide variant.
Coding change: c.4472C>T on transcript NM_015512.5 (MANE Select); coding-DNA position 4472, C replaced by T.
Protein change: p.Ala1491Val; replaces alanine 1491 with valine.
Molecular consequence: missense variant.
Genome position (GRCh38, 1-based): chr3:52,359,980, C>T. VCF-style: chr3-52359980-C-T. GRCh37 (hg19) VCF-style: chr3-52393996-C-T.
Other names: short protein forms A1491V.
Identifiers: ClinVar variation 1472254 (VCV001472254.5), dbSNP rs369943421, ClinGen allele CA2433916.

ClinVar aggregate classification (germline): Uncertain significance (1 of 4 stars; one submission).

Conditions:
Spermatogenic failure 18. Identifiers: MedGen C4539783, MONDO:0054615, OMIM 617576.
Ciliary dyskinesia, primary, 37 (CILD37). Also called: CILIARY DYSKINESIA, PRIMARY, 37, WITH OR WITHOUT SITUS INVERSUS. Identifiers: MedGen C4539798, MONDO:0033204, OMIM 617577.

Allele frequency attached by ClinVar (database versions not stated): gnomAD exomes below 0.00001 and 0.00001; ExAC 0.00001.
gnomAD v4.1: 12 of 1,613,918 alleles (0.00074%); highest among the groups gnomAD compares: South Asian, 0.0044%; no homozygotes.

Submission:

Labcorp Genetics (formerly Invitae), Labcorp
Classification: Uncertain significance for Ciliary dyskinesia, primary, 37; Spermatogenic failure 18. Last evaluated: 2021-09-24. Review status: criteria provided, single submitter. Criteria: Invitae Variant Classification Sherloc (09022015). Collection method: clinical testing. Allele origin: germline.
Comment: This sequence change replaces alanine with valine at codon 1491 of the DNAH1 protein (p.Ala1491Val). The alanine residue is highly conserved and there is a small physicochemical difference between alanine and valine. This variant is present in population databases (rs369943421, ExAC 0.006%). This variant has not been reported in the literature in individuals with DNAH1-related conditions. Algorithms developed to predict the effect of missense changes on protein structure and function are either unavailable or do not agree on the potential impact of this missense change (SIFT: "Tolerated"; PolyPhen-2: "Probably Damaging"; Align-GVGD: "Class C0"). In summary, the available evidence is currently insufficient to determine the role of this variant in disease. Therefore, it has been classified as a Variant of Uncertain Significance.